The following is an entry in ClinVar:

ClinVar aggregate classification (germline): Benign/Likely benign. Review status: criteria provided, multiple submitters, no conflicts (2 of 4 stars). 5 submissions from 5 submitters: Benign (2); Likely benign (2). 1 of the submissions does not count toward it. Last evaluated 2026-01-28.

Conditions:
KMT2D-related disorder. Also called: KMT2D-Related Disorders.
Kabuki syndrome. Also called: NIIKAWA-KUROKI SYNDROME; Kabuki make-up syndrome. Identifiers: Orphanet 2322, MedGen C0796004, MONDO:0016512.

Allele frequency attached by ClinVar (database versions not stated): gnomAD exomes 0.00025 and 0.00056; ExAC 0.00105; 1000 Genomes Project 0.00200; 1000 Genomes Project 30x 0.00203; ESP Exome Variant Server 0.00224; gnomAD 0.00224 and 0.00243; TOPMed 0.00283.
gnomAD v4.1: 714 of 1,599,362 alleles (0.045%); highest among the groups gnomAD compares: African/African-American, 0.84%; no homozygotes.

Submissions (5):

Labcorp Genetics (formerly Invitae), Labcorp
Classification: Benign for Kabuki syndrome. Last evaluated: 2026-01-28. Review status: criteria provided, single submitter. Criteria: Invitae Variant Classification Sherloc (09022015). Collection method: clinical testing. Allele origin: germline.

Blueprint Genetics
Classification: Likely benign. Last evaluated: 2024-11-27. Review status: criteria provided, single submitter. Criteria: ACMG Guidelines, 2015. Collection method: clinical testing. Allele origin: germline.

CeGaT Center for Human Genetics Tuebingen
Classification: Likely benign. Last evaluated: 2023-05-01. Review status: criteria provided, single submitter. Criteria: CeGaT Center For Human Genetics Tuebingen Variant Classification Criteria Version 2. Collection method: clinical testing. Allele origin: germline. Affected: yes. Observed: 2 variant alleles.
Comment: KMT2D: PP2, BS1

GeneDx
Classification: Benign. Last evaluated: 2019-11-13. Review status: criteria provided, single submitter. Criteria: GeneDx Variant Classification Process June 2021. Collection method: clinical testing. Allele origin: germline. Affected: yes.
Comment: This variant is associated with the following publications: (PMID: 30459467)

PreventionGenetics, part of Exact Sciences
Classification: Benign for KMT2D-related condition. Last evaluated: 2019-02-18. Review status: no assertion criteria provided. Collection method: clinical testing. Allele origin: germline. Not counted in ClinVar's aggregate classification.
Comment: This variant is classified as benign based on ACMG/AMP sequence variant interpretation guidelines (Richards et al. 2015 PMID: 25741868, with internal and published modifications).

NM_003482.4(KMT2D):c.13102A>G (p.Thr4368Ala)

Gene: KMT2D (lysine methyltransferase 2D; minus strand). Cytogenetic location: 12q13.12.
Variant type: single nucleotide variant.
Coding change: c.13102A>G on transcript NM_003482.4 (MANE Select); coding-DNA position 13102, A replaced by G.
Protein change: p.Thr4368Ala; replaces threonine 4368 with alanine.
Molecular consequence: missense variant.
Genome position (GRCh38, 1-based): chr12:49,031,603, T>C on the plus strand (A>G on the coding strand, the complement: KMT2D is on the minus strand). VCF-style: chr12-49031603-T-C. GRCh37 (hg19) VCF-style: chr12-49425386-T-C.
Other names: short protein forms T4368A.
Identifiers: ClinVar variation 463005 (VCV000463005.41), dbSNP rs189357192, ClinGen allele CA6546073.